The following is an entry in ClinVar:

NM_001127898.4(CLCN5):c.1580del (p.Pro527fs)

Gene: CLCN5 (Cl-/H+ antiporter 5; plus strand). Cytogenetic location: Xp11.23.
Variant type: Deletion.
Coding change: c.1580del on transcript NM_001127898.4 (MANE Select); coding-DNA position 1580, one base deleted (C; older notation c.1580delC).
Protein change: p.Pro527fs; shifts the reading frame from proline 527.
Molecular consequence: frameshift variant.
Genome position (GRCh38, 1-based): chrX:50,088,720, C deleted; the last of 3 consecutive C bases (chrX:50,088,718-50,088,720); deleting any one gives the same sequence. VCF-style (leftmost placement, unchanged base first): chrX-50088717-TC-T. GRCh37 (hg19) VCF-style: chrX-49853374-TC-T.
Other names: c.1370del, p.Pro457fs (NM_000084.5); c.1580del, p.Pro527fs (NM_001127899.4); c.1430del, p.Pro477fs (NM_001282163.2); short protein forms P457fs, P477fs, P527fs.
Identifiers: ClinVar variation 3066283 (VCV003066283.1), dbSNP rs2519440356, ClinGen allele CA2740097965.

ClinVar aggregate classification (germline): Likely pathogenic (1 of 4 stars; one submission).

Conditions:
Dent disease type 1 (DENT1). Also called: NEPHROLITHIASIS 2; NEPHROLITHIASIS, HYPERCALCIURIC, X-LINKED. Identifiers: Orphanet 1652, Orphanet 93622, MedGen C1848336, MONDO:0010225, OMIM 300009.

Submission:

MVZ Medizinische Genetik Mainz
Classification: Likely pathogenic for Dent disease type 1. Last evaluated: 2023-03-10. Review status: criteria provided, single submitter. Criteria: UK Practice Guidelines For Variant Classification V4 01 2020. Collection method: clinical testing. Allele origin: germline. Inheritance: X-linked dominant inheritance. Affected: yes. Observed: 1 variant allele.
Comment: ACMG Criteria: PVS1,PM2_SUP